The following is an entry in ClinVar:

ClinVar aggregate classification (germline): Pathogenic/Likely pathogenic. Review status: criteria provided, multiple submitters, no conflicts (2 of 4 stars). 2 submissions from 2 submitters: Pathogenic (1); Likely pathogenic (1). Last evaluated 2025-04-04.

Conditions:
Carnitine palmitoyltransferase II deficiency. Also called: Carnitine Palmitoyltransferase 2 Deficiency. Identifiers: Orphanet 157, MedGen C0342790, MONDO:0015515.

Submissions (2):

Natera, Inc.
Classification: Likely pathogenic for Carnitine palmitoyltransferase II deficiency. Last evaluated: 2025-04-04. Review status: criteria provided, single submitter. Criteria: Natera Variant Classification Schema (03/2026). Collection method: clinical testing. Allele origin: germline.
Comment: The c.1725_1726del variant in CPT2 is a frameshift variant predicted to shift the reading frame beginning at codon 576 and leads to a stop codon 32 codons downstream. This variant is expected to result in nonsense mediated decay, truncation, or a dysfunctional protein product. This variant is rare in the general population with a frequency below the threshold expected for the associated phenotype(s). Given the available evidence, this variant is classified as Likely Pathogenic.

Labcorp Genetics (formerly Invitae), Labcorp
Classification: Pathogenic for Carnitine palmitoyltransferase II deficiency. Last evaluated: 2019-05-22. Review status: criteria provided, single submitter. Criteria: Invitae Variant Classification Sherloc (09022015). Collection method: clinical testing. Allele origin: germline.
Comment: For these reasons, this variant has been classified as Pathogenic. This variant disrupts the C-terminus of the CPT2 protein. Other variant(s) that disrupt this region (p.Glu645Argfs*5) have been determined to be pathogenic (PMID: 21913903, 17936304). This suggests that variants that disrupt this region of the protein are likely to be causative of disease. This variant has not been reported in the literature in individuals with CPT2-related conditions. This variant is not present in population databases (ExAC no frequency). This sequence change results in a premature translational stop signal in the CPT2 gene (p.Asp576Profs*32). While this is not anticipated to result in nonsense mediated decay, it is expected to disrupt the last 83 amino acids of the CPT2 protein.

Literature cited by the submitters: PubMed 21913903 (cited by Labcorp Genetics (formerly Invitae), Labcorp); PubMed 17936304 (cited by Labcorp Genetics (formerly Invitae), Labcorp).

NM_000098.3(CPT2):c.1725_1726del (p.Asp576fs)

Gene: CPT2 (carnitine palmitoyltransferase 2; plus strand). Cytogenetic location: 1p32.3.
Variant type: Deletion.
Coding change: c.1725_1726del on transcript NM_000098.3 (MANE Select); coding-DNA positions 1725 to 1726, 2 bases deleted (GG; older notation c.1725_1726delGG).
Protein change: p.Asp576fs; shifts the reading frame from aspartic acid 576.
Molecular consequence: frameshift variant.
Genome position (GRCh38, 1-based): chr1:53,213,343-53,213,344, GG deleted. VCF-style (leftmost placement, unchanged base first): chr1-53213342-TGG-T. GRCh37 (hg19) VCF-style: chr1-53679014-TGG-T.
Other names: c.1656_1657del, p.Asp553fs (NM_001330589.2); short protein forms D576fs, D553fs.
Identifiers: ClinVar variation 948492 (VCV000948492.11), dbSNP rs1645442171, ClinGen allele CA1139656150.